The following is an entry in ClinVar:

NM_000098.3(CPT2):c.1348_1351dup (p.Gly451fs)

Gene: CPT2 (carnitine palmitoyltransferase 2; plus strand). Cytogenetic location: 1p32.3.
Variant type: Microsatellite.
Coding change: c.1348_1351dup on transcript NM_000098.3 (MANE Select); coding-DNA positions 1348 to 1351, 4 bases duplicated (AGAG; older notation c.1348_1351dupAGAG).
Protein change: p.Gly451fs; shifts the reading frame from glycine 451.
Molecular consequence: frameshift variant.
Genome position (GRCh38, 1-based): chr1:53,211,022-53,211,025, AGAG duplicated; duplicating any 4 consecutive bases within chr1:53,211,020-53,211,025 gives the same sequence; the c. name uses the placement nearest the transcript's 3' end. VCF-style (leftmost placement, unchanged base first): chr1-53211019-C-CAGAG. GRCh37 (hg19) VCF-style: chr1-53676691-C-CAGAG.
Other names: c.1348_1351dup, p.Gly451fs (NM_001330589.2); short protein forms G451fs.
Identifiers: ClinVar variation 3709870 (VCV003709870.2).

ClinVar aggregate classification (germline): Pathogenic (1 of 4 stars; one submission).

Conditions:
Carnitine palmitoyltransferase II deficiency. Also called: Carnitine Palmitoyltransferase 2 Deficiency. Identifiers: Orphanet 157, MedGen C0342790, MONDO:0015515.

Submission:

Labcorp Genetics (formerly Invitae), Labcorp
Classification: Pathogenic for Carnitine palmitoyltransferase II deficiency. Last evaluated: 2025-01-18. Review status: criteria provided, single submitter. Criteria: Invitae Variant Classification Sherloc (09022015). Collection method: clinical testing. Allele origin: germline.
Comment: This sequence change creates a premature translational stop signal (p.Gly451Glufs*15) in the CPT2 gene. It is expected to result in an absent or disrupted protein product. Loss-of-function variants in CPT2 are known to be pathogenic (PMID: 16781677, 16996287). This variant is not present in population databases (gnomAD no frequency). This variant has not been reported in the literature in individuals affected with CPT2-related conditions. For these reasons, this variant has been classified as Pathogenic.

Literature cited by the submitters: PubMed 16781677; PubMed 16996287.